The following is an entry in ClinVar:

ClinVar aggregate classification (germline): Conflicting classifications of pathogenicity. Review status: criteria provided, conflicting classifications (1 of 4 stars). 3 submissions from 3 submitters: Uncertain significance (2); Likely benign (1). Last evaluated 2025-06-06.

Conditions:
TNNT1-related disorder. Also called: TNNT1-related condition.
Nemaline myopathy 5 (NEM5A). Also called: NEMALINE MYOPATHY, AMISH TYPE; Nemaline myopathy 5, Amish type; NEMALINE MYOPATHY 5A, AUTOSOMAL RECESSIVE, SEVERE INFANTILE. Identifiers: Orphanet 98902, MedGen C1854380, MONDO:0011539, OMIM 605355.

Allele frequency attached by ClinVar (database versions not stated): gnomAD 0.00003; TOPMed 0.00003; ExAC 0.00012; gnomAD exomes 0.00015.
gnomAD v4.1: 38 of 1,613,714 alleles (0.0024%); highest among the groups gnomAD compares: East Asian, 0.08%; no homozygotes.

Submissions (3):

PreventionGenetics, part of Exact Sciences
Classification: Likely benign for TNNT1-related condition. Last evaluated: 2025-06-06. Review status: criteria provided, single submitter. Criteria: ACMG Guidelines, 2015. Collection method: clinical testing. Allele origin: germline.
Comment: This variant is classified as likely benign based on ACMG/AMP sequence variant interpretation guidelines (Richards et al. 2015 PMID: 25741868, with internal and published modifications).

Labcorp Genetics (formerly Invitae), Labcorp
Classification: Uncertain significance for Nemaline myopathy 5. Last evaluated: 2024-12-02. Review status: criteria provided, single submitter. Criteria: Invitae Variant Classification Sherloc (09022015). Collection method: clinical testing. Allele origin: germline.
Comment: This sequence change replaces glutamic acid, which is acidic and polar, with lysine, which is basic and polar, at codon 119 of the TNNT1 protein (p.Glu119Lys). This variant is present in population databases (rs752992299, gnomAD 0.2%). This variant has not been reported in the literature in individuals affected with TNNT1-related conditions. ClinVar contains an entry for this variant (Variation ID: 330194). Invitae Evidence Modeling of protein sequence and biophysical properties (such as structural, functional, and spatial information, amino acid conservation, physicochemical variation, residue mobility, and thermodynamic stability) indicates that this missense variant is not expected to disrupt TNNT1 protein function with a negative predictive value of 80%. In summary, the available evidence is currently insufficient to determine the role of this variant in disease. Therefore, it has been classified as a Variant of Uncertain Significance.

GeneDx
Classification: Uncertain significance. Last evaluated: 2022-04-04. Review status: criteria provided, single submitter. Criteria: GeneDx Variant Classification Process June 2021. Collection method: clinical testing. Allele origin: germline. Affected: yes.
Comment: Missense variants in this gene are often considered pathogenic (HGMD); In silico analysis supports that this missense variant has a deleterious effect on protein structure/function; Has not been previously published as pathogenic or benign to our knowledge

NM_003283.6(TNNT1):c.355G>A (p.Glu119Lys)

Gene: TNNT1 (troponin T1, slow skeletal type; minus strand). Cytogenetic location: 19q13.42.
Variant type: single nucleotide variant.
Coding change: c.355G>A on transcript NM_003283.6 (MANE Select); coding-DNA position 355, G replaced by A.
Protein change: p.Glu119Lys; replaces glutamic acid 119 with lysine.
Molecular consequence: missense variant.
Genome position (GRCh38, 1-based): chr19:55,140,915, C>T on the plus strand (G>A on the coding strand, the complement: TNNT1 is on the minus strand). VCF-style: chr19-55140915-C-T. GRCh37 (hg19) VCF-style: chr19-55652283-C-T.
Other names: c.355G>A, p.Glu119Lys (NM_001126132.3); c.322G>A, p.Glu108Lys (NM_001126133.3, NM_001291774.2); short protein forms E119K, E108K.
Identifiers: ClinVar variation 330194 (VCV000330194.13), dbSNP rs752992299, ClinGen allele CA9667445.